The following is an entry in ClinVar:

NM_022552.5(DNMT3A):c.1290T>G (p.Asn430Lys)

Gene: DNMT3A (DNA methyltransferase 3 alpha; minus strand). Cytogenetic location: 2p23.3.
Variant type: single nucleotide variant.
Coding change: c.1290T>G on transcript NM_022552.5 (MANE Select); coding-DNA position 1290, T replaced by G.
Protein change: p.Asn430Lys; replaces asparagine 430 with lysine.
Molecular consequence: missense variant. On other transcripts: non-coding transcript variant (1).
Genome position (GRCh38, 1-based): chr2:25,246,299, A>C on the plus strand (T>G on the coding strand, the complement: DNMT3A is on the minus strand). VCF-style: chr2-25246299-A-C. GRCh37 (hg19) VCF-style: chr2-25469168-A-C.
Other names: c.834T>G, p.Asn278Lys (NM_001320893.1); c.621T>G, p.Asn207Lys (NM_001375819.1); c.723T>G, p.Asn241Lys (NM_153759.3); c.1290T>G, p.Asn430Lys (NM_175629.2); short protein forms N241K, N278K, N430K, N207K.
Identifiers: ClinVar variation 4617784 (VCV004617784.1).

ClinVar aggregate classification (germline): Uncertain significance (1 of 4 stars; one submission).

Conditions:
Inborn genetic diseases. Identifiers: MedGen C0950123, MeSH D030342.

Submission:

Ambry Genetics
Classification: Uncertain significance for Inborn genetic diseases. Last evaluated: 2025-11-29. Review status: criteria provided, single submitter. Criteria: Ambry Variant Classification Scheme 2023. Collection method: clinical testing. Allele origin: germline.
Comment: The p.N430K variant (also known as c.1290T>G), located in coding exon 10 of the DNMT3A gene, results from a T to G substitution at nucleotide position 1290. The asparagine at codon 430 is replaced by lysine, an amino acid with similar properties. This amino acid position is conserved. In addition, the in silico prediction for this alteration is inconclusive. Based on the available evidence, the clinical significance of this variant remains unclear.